The following is an entry in ClinVar:

ClinVar aggregate classification (germline): Likely pathogenic (1 of 4 stars; one submission).

Conditions:
Dilated cardiomyopathy 1G (CMD1G). Identifiers: Orphanet 154, MedGen C1858763, MONDO:0011400, OMIM 604145.
Autosomal recessive limb-girdle muscular dystrophy type 2J (LGMDR10). Also called: Limb-girdle muscular dystrophy, type 2J; MUSCULAR DYSTROPHY, LIMB-GIRDLE, AUTOSOMAL RECESSIVE 10. Identifiers: Orphanet 140922, MedGen C1837342, MONDO:0012127, OMIM 608807.

Submission:

Labcorp Genetics (formerly Invitae), Labcorp
Classification: Likely pathogenic for Dilated cardiomyopathy 1G; Autosomal recessive limb-girdle muscular dystrophy type 2J. Last evaluated: 2023-08-17. Review status: criteria provided, single submitter. Criteria: Invitae Variant Classification Sherloc (09022015). Collection method: clinical testing. Allele origin: germline.
Comment: In summary, the currently available evidence indicates that the variant is pathogenic, but additional data are needed to prove that conclusively. Therefore, this variant has been classified as Likely Pathogenic. This variant is located in the A band of TTN (PMID: 25589632). Truncating variants in this region are significantly overrepresented in patients affected with dilated cardiomyopathy (PMID: 25589632). Truncating variants in this region have also been reported in individuals affected with autosomal recessive centronuclear myopathy (PMID: 23975875). This variant has not been reported in the literature in individuals affected with TTN-related conditions. This variant is not present in population databases (gnomAD no frequency). This sequence change creates a premature translational stop signal (p.Thr22934Profs*19) in the TTN gene. While this is not anticipated to result in nonsense mediated decay, it is expected to create a truncated TTN protein.

Literature cited by the submitters: PubMed 25589632; PubMed 23975875.

NM_001267550.2(TTN):c.68800del (p.Thr22934fs)

Genes: TTN-AS1 (TTN antisense RNA 1; plus strand), TTN (titin; minus strand). Cytogenetic location: 2q31.2.
Variant type: Deletion.
Coding change: c.68800del on transcript NM_001267550.2 (MANE Select); coding-DNA position 68800, one base deleted (A; older notation c.68800delA).
Protein change: p.Thr22934fs; shifts the reading frame from threonine 22934.
Molecular consequence: frameshift variant.
Genome position (GRCh38, 1-based): chr2:178,577,626, T deleted on the plus strand (A on the coding strand, the reverse complement: TTN is on the minus strand); the first of 3 consecutive T bases (chr2:178,577,626-178,577,628); deleting any one gives the same sequence. VCF-style (leftmost placement, unchanged base first): chr2-178577625-GT-G. GRCh37 (hg19) VCF-style: chr2-179442352-GT-G.
Other names: c.63877del, p.Thr21293fs (NM_001256850.1); c.41605del, p.Thr13869fs (NM_003319.4); c.61096del, p.Thr20366fs (NM_133378.4); c.41980del, p.Thr13994fs (NM_133432.3); c.42181del, p.Thr14061fs (NM_133437.4); short protein forms T13994fs, T22934fs, T13869fs, T20366fs, T14061fs, T21293fs.
Identifiers: ClinVar variation 2948836 (VCV002948836.3), dbSNP rs2468792262, ClinGen allele CA2740096039.
Genomic context (GRCh38, chr2:178,577,625, plus strand): 5'-TAAAAAAAAAAGTACATAAAAAGTAAAATGGACCTACCGTATTCATCCTTGCAAATAATG[GT>G]TTCTGTACTTTCTGATGGAGCACTGATAGCACCTGCTGTATTCTTTGCTCTAATTCTGAA-3'